The following is an entry in ClinVar:

NM_001267550.2(TTN):c.67103A>C (p.Lys22368Thr)

Genes: TTN (titin; minus strand), TTN-AS1 (TTN antisense RNA 1; plus strand). Cytogenetic location: 2q31.2.
Variant type: single nucleotide variant.
Coding change: c.67103A>C on transcript NM_001267550.2 (MANE Select); coding-DNA position 67103, A replaced by C.
Protein change: p.Lys22368Thr; replaces lysine 22368 with threonine.
Molecular consequence: missense variant.
Genome position (GRCh38, 1-based): chr2:178,580,184, T>G on the plus strand (A>C on the coding strand, the complement: TTN is on the minus strand). VCF-style: chr2-178580184-T-G. GRCh37 (hg19) VCF-style: chr2-179444911-T-G.
Other names: c.62180A>C, p.Lys20727Thr (NM_001256850.1); c.39908A>C, p.Lys13303Thr (NM_003319.4); c.59399A>C, p.Lys19800Thr (NM_133378.4); c.40283A>C, p.Lys13428Thr (NM_133432.3); c.40484A>C, p.Lys13495Thr (NM_133437.4); short protein forms K13303T, K13428T, K13495T, K19800T, K20727T, K22368T.
Identifiers: ClinVar variation 4873544 (VCV004873544.2).

ClinVar aggregate classification (germline): Uncertain significance (1 of 4 stars; one submission).

Submission:

CeGaT Center for Human Genetics Tuebingen
Classification: Uncertain significance. Last evaluated: 2026-07-01. Review status: criteria provided, single submitter. Criteria: CeGaT Center For Human Genetics Tuebingen Variant Classification Criteria Version 2. Collection method: clinical testing. Allele origin: germline. Affected: yes. Observed: 1 variant allele.
Comment: TTN: PM2, BP4